The following is an entry in ClinVar:

ClinVar aggregate classification (germline): Uncertain significance. Review status: criteria provided, multiple submitters, no conflicts (2 of 4 stars). 2 submissions from 2 submitters: Uncertain significance (2). Last evaluated 2024-08-04.

Conditions:
Gnathodiaphyseal dysplasia (GDD). Also called: GNATHODIAPHYSEAL SCLEROSIS; OSTEOGENESIS IMPERFECTA WITH UNUSUAL SKELETAL LESIONS. Identifiers: Orphanet 53697, MedGen C1833736, MONDO:0008151, OMIM 166260.
Autosomal recessive limb-girdle muscular dystrophy type 2L (LGMDR12). Also called: Limb-girdle muscular dystrophy, type 2L; Limb-Girdle Muscular Dystrophy R12 Anoctamin-5-Related (LGMD-R12); MUSCULAR DYSTROPHY, LIMB-GIRDLE, AUTOSOMAL RECESSIVE 12. Identifiers: Orphanet 206549, MedGen C1969785, MONDO:0012652, OMIM 611307.
Inborn genetic diseases. Identifiers: MedGen C0950123, MeSH D030342.

Allele frequency attached by ClinVar (database versions not stated): gnomAD exomes below 0.00001 and 0.00001; gnomAD 0.00001.

Submissions (2):

Ambry Genetics
Classification: Uncertain significance for Inborn genetic diseases. Last evaluated: 2024-08-04. Review status: criteria provided, single submitter. Criteria: Ambry Variant Classification Scheme 2023. Collection method: clinical testing. Allele origin: germline.

Labcorp Genetics (formerly Invitae), Labcorp
Classification: Uncertain significance for Autosomal recessive limb-girdle muscular dystrophy type 2L; Gnathodiaphyseal dysplasia. Last evaluated: 2023-08-30. Review status: criteria provided, single submitter. Criteria: Invitae Variant Classification Sherloc (09022015). Collection method: clinical testing. Allele origin: germline.
Comment: This sequence change replaces proline, which is neutral and non-polar, with leucine, which is neutral and non-polar, at codon 182 of the ANO5 protein (p.Pro182Leu). This variant is present in population databases (no rsID available, gnomAD 0.002%). This variant has not been reported in the literature in individuals affected with ANO5-related conditions. ClinVar contains an entry for this variant (Variation ID: 933668). Advanced modeling of protein sequence and biophysical properties (such as structural, functional, and spatial information, amino acid conservation, physicochemical variation, residue mobility, and thermodynamic stability) has been performed at Invitae for this missense variant, however the output from this modeling did not meet the statistical confidence thresholds required to predict the impact of this variant on ANO5 protein function. In summary, the available evidence is currently insufficient to determine the role of this variant in disease. Therefore, it has been classified as a Variant of Uncertain Significance.

NM_213599.3(ANO5):c.545C>T (p.Pro182Leu)

Gene: ANO5 (anoctamin 5; plus strand). Cytogenetic location: 11p14.3.
Variant type: single nucleotide variant.
Coding change: c.545C>T on transcript NM_213599.3 (MANE Select); coding-DNA position 545, C replaced by T.
Protein change: p.Pro182Leu; replaces proline 182 with leucine.
Molecular consequence: missense variant.
Genome position (GRCh38, 1-based): chr11:22,227,483, C>T. VCF-style: chr11-22227483-C-T. GRCh37 (hg19) VCF-style: chr11-22249029-C-T.
Other names: c.542C>T, p.Pro181Leu (NM_001142649.2); short protein forms P181L, P182L.
Identifiers: ClinVar variation 933668 (VCV000933668.11), dbSNP rs1319423412, ClinGen allele CA379919877.